The following is an entry in ClinVar:

NM_000276.4(OCRL):c.370C>G (p.Pro124Ala)

Gene: OCRL (OCRL inositol polyphosphate-5-phosphatase; plus strand). Cytogenetic location: Xq26.1.
Variant type: single nucleotide variant.
Coding change: c.370C>G on transcript NM_000276.4 (MANE Select); coding-DNA position 370, C replaced by G.
Protein change: p.Pro124Ala; replaces proline 124 with alanine.
Molecular consequence: missense variant.
Genome position (GRCh38, 1-based): chrX:129,557,881, C>G. VCF-style: chrX-129557881-C-G. GRCh37 (hg19) VCF-style: chrX-128691858-C-G.
Other names: c.373C>G, p.Pro125Ala (NM_001318784.2); c.370C>G, p.Pro124Ala (NM_001587.4); short protein forms P124A, P125A.
Identifiers: ClinVar variation 1387117 (VCV001387117.6), dbSNP rs2124401648, ClinGen allele CA414551076.

ClinVar aggregate classification (germline): Uncertain significance (1 of 4 stars; one submission).

Conditions:
Lowe syndrome (OCRL). Also called: LOWE OCULOCEREBRORENAL SYNDROME; PHOSPHATIDYLINOSITOL 4,5-BISPHOSPHATE 5-PHOSPHATASE DEFICIENCY; Oculocerebrorenal Syndrome. Identifiers: Orphanet 534, MedGen C0028860, MONDO:0010645, OMIM 309000.

Submission:

Labcorp Genetics (formerly Invitae), Labcorp
Classification: Uncertain significance for Lowe syndrome. Last evaluated: 2022-02-01. Review status: criteria provided, single submitter. Criteria: Invitae Variant Classification Sherloc (09022015). Collection method: clinical testing. Allele origin: germline.
Comment: In summary, the available evidence is currently insufficient to determine the role of this variant in disease. Therefore, it has been classified as a Variant of Uncertain Significance. Advanced modeling of protein sequence and biophysical properties (such as structural, functional, and spatial information, amino acid conservation, physicochemical variation, residue mobility, and thermodynamic stability) performed at Invitae indicates that this missense variant is not expected to disrupt OCRL protein function. This variant has not been reported in the literature in individuals affected with OCRL-related conditions. This variant is not present in population databases (gnomAD no frequency). This sequence change replaces proline, which is neutral and non-polar, with alanine, which is neutral and non-polar, at codon 124 of the OCRL protein (p.Pro124Ala).